The following is an entry in ClinVar:

NM_000535.7(PMS2):c.2343G>A (p.Gln781=)

Gene: PMS2 (PMS1 homolog 2, mismatch repair system component; minus strand). Cytogenetic location: 7p22.1.
Variant type: single nucleotide variant.
Coding change: c.2343G>A on transcript NM_000535.7 (MANE Select); coding-DNA position 2343, G replaced by A.
Protein change: p.Gln781=; no amino-acid change (glutamine 781 retained).
Molecular consequence: synonymous variant. On other transcripts: non-coding transcript variant (1).
Genome position (GRCh38, 1-based): chr7:5,977,690, C>T on the plus strand (G>A on the coding strand, the complement: PMS2 is on the minus strand). VCF-style: chr7-5977690-C-T. GRCh37 (hg19) VCF-style: chr7-6017321-C-T.
Other names: c.1938G>A, p.Gln646= (NM_001322003.2, NM_001322004.2, NM_001322005.2); c.2187G>A, p.Gln729= (NM_001322006.2); c.2025G>A, p.Gln675= (NM_001322007.2, NM_001322008.2); c.1971G>A, p.Gln657= (NM_001322009.2); c.1782G>A, p.Gln594= (NM_001322010.2); c.1410G>A, p.Gln470= (NM_001322011.2, NM_001322012.2); c.1770G>A, p.Gln590= (NM_001322013.2); c.2376G>A, p.Gln792= (NM_001322014.2); and 1 more.
Identifiers: ClinVar variation 185879 (VCV000185879.21), dbSNP rs786202531, ClinGen allele CA011306.

ClinVar aggregate classification (germline): Benign/Likely benign. Review status: criteria provided, multiple submitters, no conflicts (2 of 4 stars). 6 submissions from 6 submitters: Benign (2); Likely benign (4). Last evaluated 2026-01-11.

Conditions:
Hereditary nonpolyposis colorectal neoplasms. Identifiers: MedGen C0009405, MeSH D003123.
Hereditary cancer-predisposing syndrome. Also called: Hereditary neoplastic syndrome; Neoplastic Syndromes, Hereditary; Tumor predisposition; Hereditary Cancer Syndrome. Identifiers: Orphanet 140162, MedGen C0027672, MeSH D009386, MONDO:0015356.
Lynch syndrome 4 (LYNCH4). Also called: Hereditary non-polyposis colorectal cancer, type 4; Colorectal cancer, hereditary nonpolyposis, type 4. Identifiers: Orphanet 144, MedGen C1838333, MONDO:0013699, OMIM 614337. Disease mechanism: loss of function.

Submissions (6):

Labcorp Genetics (formerly Invitae), Labcorp
Classification: Likely benign for Hereditary nonpolyposis colorectal neoplasms. Last evaluated: 2026-01-11. Review status: criteria provided, single submitter. Criteria: Invitae Variant Classification Sherloc (09022015). Collection method: clinical testing. Allele origin: germline.

Myriad Genetics, Inc.
Classification: Benign for Lynch syndrome 4. Last evaluated: 2025-02-04. Review status: criteria provided, single submitter. Criteria: Myriad Autosomal Dominant, Autosomal Recessive and X-Linked Classification Criteria (2023). Collection method: clinical testing. Allele origin: unknown.
Comment: This variant is considered benign. This variant is a silent/synonymous amino acid change and it is not expected to impact splicing.

KCCC/NGS Laboratory, Kuwait Cancer Control Center
Classification: Benign for Lynch syndrome 4. Last evaluated: 2025-02-01. Review status: criteria provided, single submitter. Criteria: ACMG Guidelines, 2015. Collection method: clinical testing. Allele origin: germline. Affected: no.

Women's Health and Genetics/Laboratory Corporation of America, LabCorp
Classification: Likely benign. Last evaluated: 2020-09-25. Review status: criteria provided, single submitter. Criteria: LabCorp Variant Classification Summary - May 2015. Collection method: clinical testing. Allele origin: germline.

GeneDx
Classification: Likely benign. Last evaluated: 2019-01-07. Review status: criteria provided, single submitter. Criteria: GeneDx Variant Classification Process June 2021. Collection method: clinical testing. Allele origin: germline. Affected: yes.

Ambry Genetics
Classification: Likely benign for Hereditary cancer-predisposing syndrome. Last evaluated: 2014-07-18. Review status: criteria provided, single submitter. Criteria: Ambry Variant Classification Scheme 2023. Collection method: clinical testing. Allele origin: germline.